The following is an entry in ClinVar:

ClinVar aggregate classification (germline): Uncertain significance. Review status: criteria provided, multiple submitters, no conflicts (2 of 4 stars). 2 submissions from 2 submitters: Uncertain significance (2). Last evaluated 2025-07-25.

Conditions:
Hereditary cancer-predisposing syndrome. Also called: Neoplastic Syndromes, Hereditary; Hereditary neoplastic syndrome; Tumor predisposition; Hereditary Cancer Syndrome. Identifiers: Orphanet 140162, MedGen C0027672, MeSH D009386, MONDO:0015356.

Allele frequency attached by ClinVar (database versions not stated): gnomAD exomes below 0.00001.
gnomAD v4.1: 1 of 1,607,860 alleles (0.000062%); highest among the groups gnomAD compares: Non-Finnish European, 0.000085%; no homozygotes.

Submissions (2):

Ambry Genetics
Classification: Uncertain significance for Hereditary cancer-predisposing syndrome. Last evaluated: 2025-07-25. Review status: criteria provided, single submitter. Criteria: Ambry Variant Classification Scheme 2023. Collection method: clinical testing. Allele origin: germline.
Comment: The p.T22I variant (also known as c.65C>T), located in coding exon 1 of the CTNNA1 gene, results from a C to T substitution at nucleotide position 65. The threonine at codon 22 is replaced by isoleucine, an amino acid with similar properties. This amino acid position is highly conserved in available vertebrate species. In addition, this alteration is predicted to be deleterious by in silico analysis. Based on the available evidence, the clinical significance of this variant remains unclear.

Labcorp Genetics (formerly Invitae), Labcorp
Classification: Uncertain significance. Last evaluated: 2023-05-25. Review status: criteria provided, single submitter. Criteria: Invitae Variant Classification Sherloc (09022015). Collection method: clinical testing. Allele origin: germline.
Comment: This sequence change replaces threonine, which is neutral and polar, with isoleucine, which is neutral and non-polar, at codon 22 of the CTNNA1 protein (p.Thr22Ile). This variant is not present in population databases (gnomAD no frequency). This variant has not been reported in the literature in individuals affected with CTNNA1-related conditions. ClinVar contains an entry for this variant (Variation ID: 1394021). Advanced modeling of protein sequence and biophysical properties (such as structural, functional, and spatial information, amino acid conservation, physicochemical variation, residue mobility, and thermodynamic stability) performed at Invitae indicates that this missense variant is expected to disrupt CTNNA1 protein function. In summary, the available evidence is currently insufficient to determine the role of this variant in disease. Therefore, it has been classified as a Variant of Uncertain Significance.

NM_001903.5(CTNNA1):c.65C>T (p.Thr22Ile)

Gene: CTNNA1 (catenin alpha 1; plus strand). Cytogenetic location: 5q31.2.
Variant type: single nucleotide variant.
Coding change: c.65C>T on transcript NM_001903.5 (MANE Select); coding-DNA position 65, C replaced by T.
Protein change: p.Thr22Ile; replaces threonine 22 with isoleucine.
Molecular consequence: missense variant. On other transcripts: 5 prime UTR variant (2).
Genome position (GRCh38, 1-based): chr5:138,781,989, C>T. VCF-style: chr5-138781989-C-T. GRCh37 (hg19) VCF-style: chr5-138117678-C-T.
Other names: c.65C>T, p.Thr22Ile (NM_001290307.3, NM_001323982.2, NM_001323983.1 and 3 more transcripts); c.-49C>T (NM_001290309.3); c.-142C>T (NM_001290310.3); c.65C>T (NM_001903.2); short protein forms T22I.
Identifiers: ClinVar variation 1394021 (VCV001394021.7), dbSNP rs1755162650, ClinGen allele CA361477164.